The following is an entry in ClinVar:

ClinVar aggregate classification (germline): Pathogenic (1 of 4 stars; one submission).

Conditions:
Fanconi anemia (FA). Also called: Fanconi's anemia. Identifiers: Orphanet 84, MedGen C0015625, MeSH D005199, MONDO:0019391.

Submission:

Labcorp Genetics (formerly Invitae), Labcorp
Classification: Pathogenic for Fanconi anemia. Last evaluated: 2016-10-25. Review status: criteria provided, single submitter. Criteria: Invitae Variant Classification Sherloc (09022015). Collection method: clinical testing. Allele origin: germline.
Comment: This variant is a gross deletion of the genomic region encompassing exon 2 of the SLX4 gene, which includes the initiator codon. The 5' end of this event is unknown as it extends beyond the assayed region for this gene and therefore may encompass additional genes. The 3' boundary is likely confined to intron 2 of the SLX4 gene. This is expected to result in an absent or disrupted protein product. While this particular variant has not been reported in the literature, loss-of-function variants in SLX4 are known to be pathogenic (PMID: 21240277). For these reasons, this variant has been classified as Pathogenic.

NC_000016.10:g.(?_3608430)_(3609566_?)del

Gene: SLX4 (SLX4 structure-specific endonuclease subunit; minus strand). Cytogenetic location: 16p13.3.
Variant type: Deletion.
Identifiers: ClinVar variation 417419 (VCV000417419.1).